The following is an entry in ClinVar:

NM_024757.5(EHMT1):c.3296C>T (p.Pro1099Leu)

Gene: EHMT1 (euchromatic histone lysine methyltransferase 1; plus strand). Cytogenetic location: 9q34.3.
Variant type: single nucleotide variant.
Coding change: c.3296C>T on transcript NM_024757.5 (MANE Select); coding-DNA position 3296, C replaced by T.
Protein change: p.Pro1099Leu; replaces proline 1099 with leucine.
Molecular consequence: missense variant.
Genome position (GRCh38, 1-based): chr9:137,815,984, C>T. VCF-style: chr9-137815984-C-T. GRCh37 (hg19) VCF-style: chr9-140710436-C-T.
Other names: c.3275C>T, p.Pro1092Leu (NM_001354263.2); short protein forms P1099L, P1092L.
Identifiers: ClinVar variation 1043702 (VCV001043702.10), dbSNP rs1954888663, ClinGen allele CA375796319.

ClinVar aggregate classification (germline): Uncertain significance (1 of 4 stars; one submission).

Conditions:
Kleefstra syndrome 1 (KLEFS1). Identifiers: Orphanet 261494, MedGen C0795833, MONDO:0027407, OMIM 610253.

Submission:

Labcorp Genetics (formerly Invitae), Labcorp
Classification: Uncertain significance for Kleefstra syndrome 1. Last evaluated: 2024-10-22. Review status: criteria provided, single submitter. Criteria: Invitae Variant Classification Sherloc (09022015). Collection method: clinical testing. Allele origin: germline.
Comment: This sequence change replaces proline, which is neutral and non-polar, with leucine, which is neutral and non-polar, at codon 1099 of the EHMT1 protein (p.Pro1099Leu). This variant is not present in population databases (gnomAD no frequency). This missense change has been observed in individual(s) with Kleefstra syndrome (internal data). ClinVar contains an entry for this variant (Variation ID: 1043702). Invitae Evidence Modeling of protein sequence and biophysical properties (such as structural, functional, and spatial information, amino acid conservation, physicochemical variation, residue mobility, and thermodynamic stability) indicates that this missense variant is expected to disrupt EHMT1 protein function with a positive predictive value of 80%. In summary, the available evidence is currently insufficient to determine the role of this variant in disease. Therefore, it has been classified as a Variant of Uncertain Significance.